The following is an entry in ClinVar:

ClinVar aggregate classification (germline): Uncertain significance (1 of 4 stars; one submission).

Submission:

GeneDx
Classification: Uncertain significance. Last evaluated: 2026-08-13. Review status: criteria provided, single submitter. Criteria: GeneDx Variant Classification Process June 2021. Collection method: clinical testing. Allele origin: germline.
Comment: Not observed at significant frequency in large population cohorts (gnomAD); In silico analysis suggests that this missense variant does not alter protein structure/function; Has not been previously published as pathogenic or benign to our knowledge

NM_001111125.3(IQSEC2):c.1294T>A (p.Tyr432Asn)

Gene: IQSEC2 (IQ motif and Sec7 domain ArfGEF 2; minus strand). Cytogenetic location: Xp11.22.
Variant type: single nucleotide variant.
Coding change: c.1294T>A on transcript NM_001111125.3 (MANE Select); coding-DNA position 1294, T replaced by A.
Protein change: p.Tyr432Asn; replaces tyrosine 432 with asparagine.
Molecular consequence: missense variant.
Genome position (GRCh38, 1-based): chrX:53,254,637, A>T on the plus strand (T>A on the coding strand, the complement: IQSEC2 is on the minus strand). VCF-style: chrX-53254637-A-T. GRCh37 (hg19) VCF-style: chrX-53283819-A-T.
Other names: c.1294T>A, p.Tyr432Asn (NM_001410736.1); c.679T>A, p.Tyr227Asn (NM_015075.2); short protein forms Y227N, Y432N.
Identifiers: ClinVar variation 2580840 (VCV002580840.2), dbSNP rs2519836970, ClinGen allele CA413169164.